The following is an entry in ClinVar:

NM_177986.5(DSG4):c.-10A>G

Genes: DSG4 (desmoglein 4; plus strand), DSG1-AS1 (DSG1 antisense RNA 1; minus strand). Cytogenetic location: 18q12.1.
Variant type: single nucleotide variant.
Coding change: c.-10A>G on transcript NM_177986.5 (MANE Select); 10 bases upstream of the start codon, A replaced by G.
Molecular consequence: 5 prime UTR variant.
Genome position (GRCh38, 1-based): chr18:31,376,902, A>G. VCF-style: chr18-31376902-A-G. GRCh37 (hg19) VCF-style: chr18-28956865-A-G.
Other names: c.-10A>G (NM_001134453.3, NM_177986.4).
Identifiers: ClinVar variation 326414 (VCV000326414.7), dbSNP rs146720169, ClinGen allele CA8926554.

ClinVar aggregate classification (germline): Uncertain significance. Review status: criteria provided, single submitter (1 of 4 stars). 2 submissions from 2 submitters: Uncertain significance (1). 1 of the submissions does not count toward it. Last evaluated 2018-01-13.

Conditions:
DSG4-related disorder. Also called: DSG4-related condition.
Hypotrichosis 6 (HYPT6). Also called: HYPOTRICHOSIS, LOCALIZED, AUTOSOMAL RECESSIVE 1; MONILETHRIX-LIKE HYPOTRICHOSIS. Identifiers: Orphanet 55654, MedGen C1842839, MONDO:0011932, OMIM 607903.

Allele frequency attached by ClinVar (database versions not stated): ExAC 0.00035; 1000 Genomes Project 30x 0.00047; gnomAD exomes 0.00047 and 0.00050; ESP Exome Variant Server 0.00054; 1000 Genomes Project 0.00060; gnomAD 0.00092 and 0.00102; TOPMed 0.00096.
gnomAD v4.1: 876 of 1,613,612 alleles (0.054%); highest among the groups gnomAD compares: Admixed American, 0.27%; 1 homozygote.

Submissions (2):

Illumina Laboratory Services, Illumina
Classification: Uncertain significance for Hypotrichosis 6. Last evaluated: 2018-01-13. Review status: criteria provided, single submitter. Criteria: ICSL Variant Classification Criteria 13 December 2019. Collection method: clinical testing. Allele origin: germline.

PreventionGenetics, part of Exact Sciences
Classification: Likely benign for DSG4-related condition. Last evaluated: 2020-01-21. Review status: no assertion criteria provided. Collection method: clinical testing. Allele origin: germline. Not counted in ClinVar's aggregate classification.
Comment: This variant is classified as likely benign based on ACMG/AMP sequence variant interpretation guidelines (Richards et al. 2015 PMID: 25741868, with internal and published modifications).